The following is an entry in ClinVar:

ClinVar aggregate classification (germline): Uncertain significance (1 of 4 stars; one submission).

Conditions:
CEP164-related disorder. Also called: CEP164-related condition.

Submission:

PreventionGenetics, part of Exact Sciences
Classification: Uncertain significance for CEP164-related condition. Last evaluated: 2024-11-11. Review status: criteria provided, single submitter. Criteria: ACMG Guidelines, 2015. Collection method: clinical testing. Allele origin: germline.
Comment: The CEP164 c.1064G>A variant is predicted to result in the amino acid substitution p.Gly355Glu. To our knowledge, this variant has not been reported in the literature or in a large population database (gnomAD), indicating this variant is rare. At this time, the clinical significance of this variant is uncertain due to the absence of conclusive functional and genetic evidence.

NM_014956.5(CEP164):c.1064G>A (p.Gly355Glu)

Gene: CEP164 (centrosomal protein 164; plus strand). Cytogenetic location: 11q23.3.
Variant type: single nucleotide variant.
Coding change: c.1064G>A on transcript NM_014956.5 (MANE Select); coding-DNA position 1064, G replaced by A.
Protein change: p.Gly355Glu; replaces glycine 355 with glutamic acid.
Molecular consequence: missense variant.
Genome position (GRCh38, 1-based): chr11:117,371,378, G>A. VCF-style: chr11-117371378-G-A. GRCh37 (hg19) VCF-style: chr11-117242094-G-A.
Other names: c.1064G>A, p.Gly355Glu (NM_001271933.2, NM_001440949.1, NM_001440950.1 and 16 more transcripts); c.986G>A, p.Gly329Glu (NM_001440952.1, NM_001440954.1, NM_001440955.1 and 17 more transcripts); c.926G>A, p.Gly309Glu (NM_001440960.1); short protein forms G355E, G309E, G329E.
Identifiers: ClinVar variation 4998274 (VCV004998274.1).